The following is an entry in ClinVar:

ClinVar aggregate classification (germline): Uncertain significance (1 of 4 stars; one submission).

Allele frequency attached by ClinVar (database versions not stated): gnomAD 0.00008; ExAC 0.00003; 1000 Genomes Project 0.00020; TOPMed 0.00013; 1000 Genomes Project 30x 0.00016.
gnomAD v4.1: 110 of 1,614,100 alleles (0.0068%); highest among the groups gnomAD compares: Admixed American, 0.02%; no homozygotes.

Submission:

Labcorp Genetics (formerly Invitae), Labcorp
Classification: Uncertain significance. Last evaluated: 2025-08-11. Review status: criteria provided, single submitter. Criteria: Invitae Variant Classification Sherloc (09022015). Collection method: clinical testing. Allele origin: germline.
Comment: This sequence change replaces isoleucine, which is neutral and non-polar, with valine, which is neutral and non-polar, at codon 676 of the INTU protein (p.Ile676Val). This variant is present in population databases (rs200548627, gnomAD 0.01%). This variant has not been reported in the literature in individuals affected with INTU-related conditions. ClinVar contains an entry for this variant (Variation ID: 3019851). Invitae Evidence Modeling of protein sequence and biophysical properties (such as structural, functional, and spatial information, amino acid conservation, physicochemical variation, residue mobility, and thermodynamic stability) indicates that this missense variant is not expected to disrupt INTU protein function with a negative predictive value of 80%. In summary, the available evidence is currently insufficient to determine the role of this variant in disease. Therefore, it has been classified as a Variant of Uncertain Significance.

NM_015693.4(INTU):c.2026A>G (p.Ile676Val)

Gene: INTU (inturned planar cell polarity protein; plus strand). Cytogenetic location: 4q28.1.
Variant type: single nucleotide variant.
Coding change: c.2026A>G on transcript NM_015693.4 (MANE Select); coding-DNA position 2026, A replaced by G.
Protein change: p.Ile676Val; replaces isoleucine 676 with valine.
Molecular consequence: missense variant.
Genome position (GRCh38, 1-based): chr4:127,706,724, A>G. VCF-style: chr4-127706724-A-G. GRCh37 (hg19) VCF-style: chr4-128627879-A-G.
Other names: short protein forms I676V.
Identifiers: ClinVar variation 3019851 (VCV003019851.3), dbSNP rs200548627, ClinGen allele CA3075238.